The following is an entry in ClinVar:

NM_000430.4(PAFAH1B1):c.395T>C (p.Ile132Thr)

Gene: PAFAH1B1 (platelet activating factor acetylhydrolase 1b regulatory subunit 1; plus strand). Cytogenetic location: 17p13.3.
Variant type: single nucleotide variant.
Coding change: c.395T>C on transcript NM_000430.4 (MANE Select); coding-DNA position 395, T replaced by C.
Protein change: p.Ile132Thr; replaces isoleucine 132 with threonine.
Molecular consequence: missense variant.
Genome position (GRCh38, 1-based): chr17:2,667,194, T>C. VCF-style: chr17-2667194-T-C. GRCh37 (hg19) VCF-style: chr17-2570488-T-C.
Other names: short protein forms I132T.
Identifiers: ClinVar variation 2705919 (VCV002705919.3), dbSNP rs2544090471, ClinGen allele CA397639224.

ClinVar aggregate classification (germline): Uncertain significance (1 of 4 stars; one submission).

Submission:

Labcorp Genetics (formerly Invitae), Labcorp
Classification: Uncertain significance. Last evaluated: 2023-12-27. Review status: criteria provided, single submitter. Criteria: Invitae Variant Classification Sherloc (09022015). Collection method: clinical testing. Allele origin: germline.
Comment: This sequence change replaces isoleucine, which is neutral and non-polar, with threonine, which is neutral and polar, at codon 132 of the PAFAH1B1 protein (p.Ile132Thr). This variant is not present in population databases (gnomAD no frequency). This variant has not been reported in the literature in individuals affected with PAFAH1B1-related conditions. An algorithm developed to predict the effect of missense changes on protein structure and function (PolyPhen-2) suggests that this variant is likely to be disruptive. In summary, the available evidence is currently insufficient to determine the role of this variant in disease. Therefore, it has been classified as a Variant of Uncertain Significance.